The following is an entry in ClinVar:

NM_000350.3(ABCA4):c.1807T>C (p.Tyr603His)

Gene: ABCA4 (ATP binding cassette subfamily A member 4; minus strand). Cytogenetic location: 1p22.1.
Variant type: single nucleotide variant.
Coding change: c.1807T>C on transcript NM_000350.3 (MANE Select); coding-DNA position 1807, T replaced by C.
Protein change: p.Tyr603His; replaces tyrosine 603 with histidine.
Molecular consequence: missense variant.
Genome position (GRCh38, 1-based): chr1:94,062,707, A>G on the plus strand (T>C on the coding strand, the complement: ABCA4 is on the minus strand). VCF-style: chr1-94062707-A-G. GRCh37 (hg19) VCF-style: chr1-94528263-A-G.
Other names: c.1807T>C, p.Tyr603His (NM_001425324.1); short protein forms Y603H.
Identifiers: ClinVar variation 417981 (VCV000417981.52), dbSNP rs1064793006, ClinGen allele CA16617211.

ClinVar aggregate classification (germline): Pathogenic/Likely pathogenic. Review status: criteria provided, multiple submitters, no conflicts (2 of 4 stars). 5 submissions from 5 submitters: Pathogenic (3); Likely pathogenic (2). Last evaluated 2026-01-06.

Conditions:
ABCA4-related disorder. Also called: ABCA4-related condition; ABCA4-related disorders. Identifiers: MedGen CN239167.
Retinal dystrophy. Also called: Inherited retinal dystrophy. Identifiers: Orphanet 71862, MedGen C0854723, MeSH D058499, MONDO:0019118, HP:0000556.

Allele frequency attached by ClinVar (database versions not stated): gnomAD exomes below 0.00001.

Submissions (5):

GeneDx
Classification: Likely pathogenic. Last evaluated: 2026-01-06. Review status: criteria provided, single submitter. Criteria: GeneDx Variant Classification Process June 2021. Collection method: clinical testing. Allele origin: germline. Affected: yes.
Comment: Not observed at significant frequency in large population cohorts (gnomAD); In silico analysis supports that this missense variant has a deleterious effect on protein structure/function; This variant is associated with the following publications: (PMID: 34073554, 32531858, 29555955, 31429209, 35120629)

Labcorp Genetics (formerly Invitae), Labcorp
Classification: Pathogenic. Last evaluated: 2023-10-03. Review status: criteria provided, single submitter. Criteria: Invitae Variant Classification Sherloc (09022015). Collection method: clinical testing. Allele origin: germline.
Comment: This sequence change replaces tyrosine, which is neutral and polar, with histidine, which is basic and polar, at codon 603 of the ABCA4 protein (p.Tyr603His). This variant is not present in population databases (gnomAD no frequency). This missense change has been observed in individual(s) with cone-rod dystrophy and/or Stargardt disease (PMID: 29555955, 32531858, 34073554). ClinVar contains an entry for this variant (Variation ID: 417981). Advanced modeling of protein sequence and biophysical properties (such as structural, functional, and spatial information, amino acid conservation, physicochemical variation, residue mobility, and thermodynamic stability) performed at Invitae indicates that this missense variant is expected to disrupt ABCA4 protein function. For these reasons, this variant has been classified as Pathogenic.

Institute of Human Genetics, Univ. Regensburg, Univ. Regensburg
Classification: Likely pathogenic for Retinal dystrophy. Last evaluated: 2022-01-01. Review status: criteria provided, single submitter. Criteria: ACMG Guidelines, 2015. Collection method: clinical testing. Allele origin: germline. Affected: yes.

Blueprint Genetics
Classification: Pathogenic for ABCA4-related disorders. Last evaluated: 2019-07-29. Review status: criteria provided, single submitter. Criteria: ACMG Guidelines, 2015. Collection method: clinical testing. Allele origin: germline. Affected: yes. Observed: 1 variant allele.

CeGaT Center for Human Genetics Tuebingen
Classification: Pathogenic. Last evaluated: 2018-09-01. Review status: criteria provided, single submitter. Criteria: CeGaT Center For Human Genetics Tuebingen Variant Classification Criteria Version 2. Collection method: clinical testing. Allele origin: germline. Affected: yes. Observed: 3 variant alleles.

Literature cited by the submitters: PubMed 29555955 (cited by Labcorp Genetics (formerly Invitae), Labcorp and Institute of Human Genetics, Univ. Regensburg, Univ. Regensburg); PubMed 32531858 (cited by Labcorp Genetics (formerly Invitae), Labcorp and Institute of Human Genetics, Univ. Regensburg, Univ. Regensburg); PubMed 34073554 (cited by Labcorp Genetics (formerly Invitae), Labcorp and Institute of Human Genetics, Univ. Regensburg, Univ. Regensburg); PubMed 31429209 (cited by Institute of Human Genetics, Univ. Regensburg, Univ. Regensburg).